The following is an entry in ClinVar:

ClinVar aggregate classification (germline): Uncertain significance (1 of 4 stars; one submission).

Submission:

Ambry Genetics
Classification: Uncertain significance. Last evaluated: 2021-06-18. Review status: criteria provided, single submitter. Criteria: Ambry Variant Classification Scheme 2023. Collection method: clinical testing. Allele origin: germline.
Comment: The p.L1975P variant (also known as c.5924T>C), located in coding exon 18 of the POLQ gene, results from a T to C substitution at nucleotide position 5924. The leucine at codon 1975 is replaced by proline, an amino acid with similar properties. This amino acid position is conserved. In addition, the in silico prediction for this alteration is inconclusive. Since supporting evidence is limited at this time, the clinical significance of this alteration remains unclear.

NM_199420.4(POLQ):c.5924T>C (p.Leu1975Pro)

Gene: POLQ (DNA polymerase theta; minus strand). Cytogenetic location: 3q13.33.
Variant type: single nucleotide variant.
Coding change: c.5924T>C on transcript NM_199420.4 (MANE Select); coding-DNA position 5924, T replaced by C.
Protein change: p.Leu1975Pro; replaces leucine 1975 with proline.
Molecular consequence: missense variant.
Genome position (GRCh38, 1-based): chr3:121,483,432, A>G on the plus strand (T>C on the coding strand, the complement: POLQ is on the minus strand). VCF-style: chr3-121483432-A-G. GRCh37 (hg19) VCF-style: chr3-121202279-A-G.
Other names: short protein forms L1975P.
Identifiers: ClinVar variation 1750527 (VCV001750527.2), dbSNP rs889135007, ClinGen allele CA81831325.
Genomic context (GRCh38, chr3:121,483,432, plus strand): 5'-ATTAGACATAGAACCTTAGGATCTTCATAACTTTGCTCCAAGGAGATGCCACAAGAAAGA[A>G]GAAGAATTTTATAGCTCTGGATGAAGTCATAGATGACAACAGAACATTCTTTATCAGATT-3'
Protein context (NP_955452.3, residues 1965-1985): YDFIQSYKIL[Leu1975Pro]LSCGISLEQS